The following is an entry in ClinVar:

NM_004247.4(EFTUD2):c.1361C>T (p.Thr454Ile)

Gene: EFTUD2 (elongation factor Tu GTP binding domain containing 2; minus strand). Cytogenetic location: 17q21.31.
Variant type: single nucleotide variant.
Coding change: c.1361C>T on transcript NM_004247.4 (MANE Select); coding-DNA position 1361, C replaced by T.
Protein change: p.Thr454Ile; replaces threonine 454 with isoleucine.
Molecular consequence: missense variant.
Genome position (GRCh38, 1-based): chr17:44,863,707, G>A on the plus strand (C>T on the coding strand, the complement: EFTUD2 is on the minus strand). VCF-style: chr17-44863707-G-A. GRCh37 (hg19) VCF-style: chr17-42941075-G-A.
Other names: c.1256C>T, p.Thr419Ile (NM_001142605.2); c.1361C>T, p.Thr454Ile (NM_001258353.2); c.1331C>T, p.Thr444Ile (NM_001258354.2); short protein forms T454I, T444I, T419I.
Identifiers: ClinVar variation 2855698 (VCV002855698.3), dbSNP rs2508766925, ClinGen allele CA399814603.

ClinVar aggregate classification (germline): Uncertain significance (1 of 4 stars; one submission).

Submission:

Labcorp Genetics (formerly Invitae), Labcorp
Classification: Uncertain significance. Last evaluated: 2023-04-12. Review status: criteria provided, single submitter. Criteria: Invitae Variant Classification Sherloc (09022015). Collection method: clinical testing. Allele origin: germline.
Comment: This sequence change replaces threonine, which is neutral and polar, with isoleucine, which is neutral and non-polar, at codon 454 of the EFTUD2 protein (p.Thr454Ile). This variant is not present in population databases (gnomAD no frequency). This variant has not been reported in the literature in individuals affected with EFTUD2-related conditions. Advanced modeling of protein sequence and biophysical properties (such as structural, functional, and spatial information, amino acid conservation, physicochemical variation, residue mobility, and thermodynamic stability) performed at Invitae indicates that this missense variant is expected to disrupt EFTUD2 protein function. In summary, the available evidence is currently insufficient to determine the role of this variant in disease. Therefore, it has been classified as a Variant of Uncertain Significance.